The following is an entry in ClinVar:

ClinVar aggregate classification (germline): Uncertain significance (1 of 4 stars; one submission).

Submission:

Ambry Genetics
Classification: Uncertain significance. Last evaluated: 2021-09-22. Review status: criteria provided, single submitter. Criteria: Ambry Variant Classification Scheme 2023. Collection method: clinical testing. Allele origin: germline.
Comment: The p.V951L variant (also known as c.2851G>C), located in coding exon 14 of the NPAT gene, results from a G to C substitution at nucleotide position 2851. The valine at codon 951 is replaced by leucine, an amino acid with highly similar properties. This amino acid position is conserved. In addition, this alteration is predicted to be tolerated by in silico analysis. Since supporting evidence is limited at this time, the clinical significance of this alteration remains unclear.

NM_002519.3(NPAT):c.2851G>C (p.Val951Leu)

Gene: NPAT (nuclear protein, coactivator of histone transcription; minus strand). Cytogenetic location: 11q22.3.
Variant type: single nucleotide variant.
Coding change: c.2851G>C on transcript NM_002519.3 (MANE Select); coding-DNA position 2851, G replaced by C.
Protein change: p.Val951Leu; replaces valine 951 with leucine.
Molecular consequence: missense variant.
Genome position (GRCh38, 1-based): chr11:108,169,978, C>G on the plus strand (G>C on the coding strand, the complement: NPAT is on the minus strand). VCF-style: chr11-108169978-C-G. GRCh37 (hg19) VCF-style: chr11-108040705-C-G.
Other names: c.2851G>C, p.Val951Leu (NM_001321307.1); short protein forms V951L.
Identifiers: ClinVar variation 1796848 (VCV001796848.2), dbSNP rs2496711353, ClinGen allele CA382512095.